The following is an entry in ClinVar:

NM_198253.3(TERT):c.2850C>G (p.Ala950=)

Gene: TERT (telomerase reverse transcriptase; minus strand). Cytogenetic location: 5p15.33.
Variant type: single nucleotide variant.
Coding change: c.2850C>G on transcript NM_198253.3 (MANE Select); coding-DNA position 2850, C replaced by G.
Protein change: p.Ala950=; no amino-acid change (alanine 950 retained).
Molecular consequence: synonymous variant. On other transcripts: non-coding transcript variant (2).
Genome position (GRCh38, 1-based): chr5:1,260,594, G>C on the plus strand (C>G on the coding strand, the complement: TERT is on the minus strand). VCF-style: chr5-1260594-G-C. GRCh37 (hg19) VCF-style: chr5-1260709-G-C.
Other names: c.2661C>G, p.Ala887= (NM_001193376.3).
Identifiers: ClinVar variation 696150 (VCV000696150.15), dbSNP rs758664162, ClinGen allele CA3184356.

ClinVar aggregate classification (germline): Likely benign. Review status: criteria provided, multiple submitters, no conflicts (2 of 4 stars). 4 submissions from 4 submitters: Likely benign (4). Last evaluated 2025-12-03.

Conditions:
Idiopathic Pulmonary Fibrosis. Also called: Idiopathic fibrosing alveolitis, chronic form; idiopathic fibrosing alveolitis. Identifiers: Orphanet 2032, MedGen C1800706, MeSH D054990, MONDO:0800504.
Dyskeratosis congenita, autosomal dominant 2. Identifiers: MedGen C3151443, MONDO:0013521, OMIM 613989.
Dyskeratosis congenita. Identifiers: Orphanet 1775, MedGen C0265965, MONDO:0015780.
TERT-related disorder. Also called: TERT-related disorders; TERT-related condition.

Allele frequency attached by ClinVar (database versions not stated): gnomAD 0.00001; gnomAD exomes 0.00001 and 0.00005; TOPMed 0.00003; ExAC 0.00007.
gnomAD v4.1: 11 of 1,613,876 alleles (0.00068%); highest among the groups gnomAD compares: East Asian, 0.022%; no homozygotes.

Submissions (4):

Labcorp Genetics (formerly Invitae), Labcorp
Classification: Likely benign for Dyskeratosis congenita, autosomal dominant 2; Idiopathic Pulmonary Fibrosis. Last evaluated: 2025-12-03. Review status: criteria provided, single submitter. Criteria: Invitae Variant Classification Sherloc (09022015). Collection method: clinical testing. Allele origin: germline.

PreventionGenetics, part of Exact Sciences
Classification: Likely benign for TERT-related condition. Last evaluated: 2024-12-22. Review status: criteria provided, single submitter. Criteria: ACMG Guidelines, 2015. Collection method: clinical testing. Allele origin: germline.
Comment: This variant is classified as likely benign based on ACMG/AMP sequence variant interpretation guidelines (Richards et al. 2015 PMID: 25741868, with internal and published modifications).

ARUP Laboratories, Molecular Genetics and Genomics, ARUP Laboratories
Classification: Likely benign. Last evaluated: 2023-05-25. Review status: criteria provided, single submitter. Criteria: ARUP Molecular Germline Variant Investigation Process 2024. Collection method: clinical testing. Allele origin: germline.

Ambry Genetics
Classification: Likely benign for Dyskeratosis congenita. Last evaluated: 2022-02-22. Review status: criteria provided, single submitter. Criteria: Ambry Variant Classification Scheme 2023. Collection method: clinical testing. Allele origin: germline.